The following is an entry in ClinVar:

ClinVar aggregate classification (germline): Conflicting classifications of pathogenicity. Review status: criteria provided, conflicting classifications (1 of 4 stars). 2 submissions from 2 submitters: Uncertain significance (1); Likely benign (1). Last evaluated 2026-09-11.

Conditions:
Renal cell carcinoma. Identifiers: Orphanet 217071, MedGen C0007134, MeSH D002292, MONDO:0005086, HP:0005584.
Hereditary cancer-predisposing syndrome. Also called: Hereditary Cancer Syndrome; Neoplastic Syndromes, Hereditary; Hereditary neoplastic syndrome; Tumor predisposition. Identifiers: Orphanet 140162, MedGen C0027672, MeSH D009386, MONDO:0015356.

Submissions (2):

Ambry Genetics
Classification: Likely benign for Hereditary cancer-predisposing syndrome. Last evaluated: 2026-09-11. Review status: criteria provided, single submitter. Criteria: Ambry Variant Classification Scheme 2023. Collection method: clinical testing. Allele origin: germline.

Labcorp Genetics (formerly Invitae), Labcorp
Classification: Uncertain significance for Renal cell carcinoma. Last evaluated: 2022-06-27. Review status: criteria provided, single submitter. Criteria: Invitae Variant Classification Sherloc (09022015). Collection method: clinical testing. Allele origin: germline.
Comment: This variant is not present in population databases (gnomAD no frequency). This sequence change replaces proline, which is neutral and non-polar, with threonine, which is neutral and polar, at codon 861 of the MET protein (p.Pro861Thr). This variant has not been reported in the literature in individuals affected with MET-related conditions. Algorithms developed to predict the effect of missense changes on protein structure and function (SIFT, PolyPhen-2, Align-GVGD) all suggest that this variant is likely to be tolerated. In summary, the available evidence is currently insufficient to determine the role of this variant in disease. Therefore, it has been classified as a Variant of Uncertain Significance.

NM_000245.4(MET):c.2527C>A (p.Pro843Thr)

Gene: MET (MET proto-oncogene, receptor tyrosine kinase; plus strand). Cytogenetic location: 7q31.2.
Variant type: single nucleotide variant.
Coding change: c.2527C>A on transcript NM_000245.4 (MANE Select); coding-DNA position 2527, C replaced by A.
Protein change: p.Pro843Thr; replaces proline 843 with threonine.
Molecular consequence: missense variant.
Genome position (GRCh38, 1-based): chr7:116,763,212, C>A. VCF-style: chr7-116763212-C-A. GRCh37 (hg19) VCF-style: chr7-116403266-C-A.
Other names: c.2581C>A, p.Pro861Thr (NM_001127500.3); c.2527C>A, p.Pro843Thr (NM_001324401.3); c.1237C>A, p.Pro413Thr (NM_001324402.2); short protein forms P861T, P843T, P413T.
Identifiers: ClinVar variation 1379517 (VCV001379517.9), dbSNP rs905891313, ClinGen allele CA368983536.
Genomic context (GRCh38, chr7:116,763,212, plus strand): 5'-TTAGATGGGATCCTTTCCAAATACTTTGATCTCATTTATGTACATAATCCTGTGTTTAAG[C>A]CTTTTGAAAAGCCAGTGATGATCTCAATGGGCAATGAAAATGTACTGGAAATTAAGGTAA-3'
Protein context (NP_000236.2, residues 833-853): LIYVHNPVFK[Pro843Thr]FEKPVMISMG